The following is an entry in ClinVar:

ClinVar aggregate classification (germline): Likely pathogenic (1 of 4 stars; one submission).

Conditions:
Familial adenomatous polyposis 1 (FAP1). Also called: FAMILIAL ADENOMATOUS POLYPOSIS 1, ATTENUATED; POLYPOSIS, ADENOMATOUS INTESTINAL. Identifiers: MedGen C2713442, MONDO:0021056, OMIM 175100. Disease mechanism: loss of function.

Submission:

Labcorp Genetics (formerly Invitae), Labcorp
Classification: Likely pathogenic for Familial adenomatous polyposis 1. Last evaluated: 2021-03-22. Review status: criteria provided, single submitter. Criteria: Invitae Variant Classification Sherloc (09022015). Collection method: clinical testing. Allele origin: germline.
Comment: In summary, the currently available evidence indicates that the variant is pathogenic, but additional data are needed to prove that conclusively. Therefore, this variant has been classified as Likely Pathogenic. There are several predicted outcomes of this duplication on APC protein function. While APC expression may occur in the duplicated region containing promoter 1A, it is more likely to be expressed from the original region also containing promoter 1B, which has been shown to drive higher levels of APC expression (PMID: 21643010). Therefore, the duplicated copy likely results in an absent or disrupted protein product. Experimental studies have not been tested for this variant. This particular gain has not been reported in the literature in individuals with APC-related disease. However, similar copy number gains involving promoter 1A, and exon 2, exons 2-5 and exons 2-8 have been observed in individuals with clinical features consistent with familial adenomatous polyposis (FAP) or attenuated FAP (Invitae). This variant results in a copy number gain of the genomic region encompassing promoter 1A and exons 2-6 of the APC gene. The 5' boundary is likely confined to be between promoter 1B and promoter 1A. The 3' boundary is likely confined to intron 6 of the APC gene. While the exact position of this variant cannot be determined from this data, sub-genic copy number gains are generally in tandem (PMID: 25640679).

Literature cited by the submitters: PubMed 21643010; PubMed 25640679.

NC_000005.9:g.(?_112072721)_(112116610_?)dup

Gene: APC (APC regulator of Wnt signaling pathway; plus strand). Cytogenetic location: 5q22.2.
Variant type: Duplication.
Identifiers: ClinVar variation 1501308 (VCV001501308.6).